The following is an entry in ClinVar:

ClinVar aggregate classification (germline): Conflicting classifications of pathogenicity. Review status: criteria provided, conflicting classifications (1 of 4 stars). 3 submissions from 3 submitters: Likely pathogenic (1); Uncertain significance (2). Last evaluated 2023-12-18.

Conditions:
Mucopolysaccharidosis type 6 (MPS6). Also called: N-ACETYLGALACTOSAMINE-4-SULFATASE DEFICIENCY; MPS VI; MPS 6; Maroteaux Lamy syndrome; ARSB DEFICIENCY; ARYLSULFATASE B DEFICIENCY. Identifiers: Orphanet 583, MedGen C0026709, MONDO:0009661, OMIM 253200.

Allele frequency attached by ClinVar (database versions not stated): gnomAD exomes 0.00001.
gnomAD v4.1: 13 of 1,614,056 alleles (0.00081%); highest among the groups gnomAD compares: Admixed American, 0.0017%; no homozygotes.

Submissions (3):

GeneDx
Classification: Likely pathogenic. Last evaluated: 2023-12-18. Review status: criteria provided, single submitter. Criteria: GeneDx Variant Classification Process June 2021. Collection method: clinical testing. Allele origin: germline. Affected: yes.
Comment: Reported in the homozygous state in a patient with clinical features consistent with MPS VI who had 12% enzyme activity in published literature; this patient was also homozygous for a second variant in the ARSB gene (PMID: 24677745, 27826022); In silico analysis supports that this missense variant has a deleterious effect on protein structure/function; Not observed at significant frequency in large population cohorts (gnomAD); This variant is associated with the following publications: (PMID: 26937411, 27826022, 30548430, 30118150, 26609033, 24677745)

Labcorp Genetics (formerly Invitae), Labcorp
Classification: Uncertain significance for Mucopolysaccharidosis type 6. Last evaluated: 2019-09-11. Review status: criteria provided, single submitter. Criteria: Invitae Variant Classification Sherloc (09022015). Collection method: clinical testing. Allele origin: germline.
Comment: This sequence change replaces proline with leucine at codon 445 of the ARSB protein (p.Pro445Leu). The proline residue is moderately conserved and there is a moderate physicochemical difference between proline and leucine. This variant is not present in population databases (ExAC no frequency). This variant has been observed as homozygous in an individual affected with mucopolysaccharidosis type VI but it co-occurs with another homozygous ARSB variant in cis (PMID: 24677745). ClinVar contains an entry for this variant (Variation ID: 559701). Experimental studies have shown that this missense change abrogates ARSB enzyme activity (PMID: 27826022). In summary, the available evidence is currently insufficient to determine the role of this variant in disease. Therefore, it has been classified as a Variant of Uncertain Significance.

Laboratory of Diagnosis and Therapy of Lysosomal Disorders, University of Padova
Classification: Uncertain significance for Mucopolysaccharidosis type 6. Last evaluated: 2018-01-01. Review status: criteria provided, single submitter. Criteria: ACMG Guidelines, 2015. Collection method: curation. Allele origin: germline. Affected: yes.
Comment: Absent from GnomAD (PM2); Multiple lines of computational evidence support a deleterious effect on the gene product (PP3)

Literature cited by the submitters: PubMed 24677745 (cited by Labcorp Genetics (formerly Invitae), Labcorp and Laboratory of Diagnosis and Therapy of Lysosomal Disorders, University of Padova); PubMed 27826022 (cited by Labcorp Genetics (formerly Invitae), Labcorp); PubMed 30118150 (cited by Laboratory of Diagnosis and Therapy of Lysosomal Disorders, University of Padova).

NM_000046.5(ARSB):c.1334C>T (p.Pro445Leu)

Gene: ARSB (arylsulfatase B; minus strand). Cytogenetic location: 5q14.1.
Variant type: single nucleotide variant.
Coding change: c.1334C>T on transcript NM_000046.5 (MANE Select); coding-DNA position 1334, C replaced by T.
Protein change: p.Pro445Leu; replaces proline 445 with leucine.
Molecular consequence: missense variant.
Genome position (GRCh38, 1-based): chr5:78,781,854, G>A on the plus strand (C>T on the coding strand, the complement: ARSB is on the minus strand). VCF-style: chr5-78781854-G-A. GRCh37 (hg19) VCF-style: chr5-78077677-G-A.
Other names: short protein forms P445L.
Identifiers: ClinVar variation 559701 (VCV000559701.4), dbSNP rs1554069775, ClinGen allele CA360339346.